The following is an entry in ClinVar:

NM_007118.4(TRIO):c.170del (p.Asn57fs)

Gene: TRIO (trio Rho guanine nucleotide exchange factor; plus strand). Cytogenetic location: 5p15.2.
Variant type: Deletion.
Coding change: c.170del on transcript NM_007118.4 (MANE Select); coding-DNA position 170, one base deleted (A; older notation c.170delA).
Protein change: p.Asn57fs; shifts the reading frame from asparagine 57.
Molecular consequence: frameshift variant. On other transcripts: non-coding transcript variant (1).
Genome position (GRCh38, 1-based): chr5:14,270,837, A deleted; the last of 6 consecutive A bases (chr5:14,270,832-14,270,837); deleting any one gives the same sequence. VCF-style (leftmost placement, unchanged base first): chr5-14270831-GA-G. GRCh37 (hg19) VCF-style: chr5-14270940-GA-G.
Other names: short protein forms N57fs.
Identifiers: ClinVar variation 5019903 (VCV005019903.2).

ClinVar aggregate classification (germline): Pathogenic (1 of 4 stars; one submission).

Conditions:
Intellectual developmental disorder, autosomal dominant 44, with microcephaly. Also called: Micrognathia-recurrent infections-behavioral abnormalities-mild intellectual disability syndrome; TRIO-Related Intellectual Disability. Identifiers: Orphanet 476126, MedGen C4310740, MONDO:0014892, OMIM 617061.
Intellectual developmental disorder, autosomal dominant 63, with macrocephaly. Also called: MENTAL RETARDATION, AUTOSOMAL DOMINANT 63, WITH MACROCEPHALY. Identifiers: MedGen C5394205, MONDO:0032939, OMIM 618825.

Submission:

Juno Genomics, Hangzhou Juno Genomics, Inc
Classification: Pathogenic for Intellectual developmental disorder, autosomal dominant 44, with microcephaly; Intellectual developmental disorder, autosomal dominant 63, with macrocephaly. Review status: criteria provided, single submitter. Criteria: ACMG Guidelines, 2015. Collection method: clinical testing. Allele origin: germline.
Comment: Absent from controls (or at extremely low frequency if recessive) in Genome Aggregation Database.;De novo (both maternity and paternity confirmed) in a patient with the disease and no family history.;Null variant in a gene where loss of function (LOF) is a known mechanism of disease.